The following is an entry in ClinVar:

ClinVar aggregate classification (germline): Conflicting classifications of pathogenicity. Review status: criteria provided, conflicting classifications (1 of 4 stars). 8 submissions from 8 submitters: Pathogenic (1); Likely pathogenic (4); Uncertain significance (2). 1 of the submissions does not count toward it. Last evaluated 2025-10-29.

Conditions:
PMM2-congenital disorder of glycosylation. Also called: PMM2-CDG; Congenital disorder of glycosylation, type Ia; CDG Ia; JAEKEN SYNDROME; PHOSPHOMANNOMUTASE 2 DEFICIENCY; CARBOHYDRATE-DEFICIENT GLYCOPROTEIN SYNDROME, TYPE Ia. Identifiers: Orphanet 79318, MedGen C0349653, MONDO:0008907, OMIM 212065.

Allele frequency attached by ClinVar (database versions not stated): gnomAD 0.00001 and 0.00003; TOPMed 0.00001; gnomAD exomes 0.00002; ExAC 0.00005; 1000 Genomes Project 0.00040; 1000 Genomes Project 30x 0.00047.
gnomAD v4.1: 54 of 1,612,698 alleles (0.0033%); highest among the groups gnomAD compares: Middle Eastern, 0.017%; no homozygotes.

Submissions (8):

Labcorp Genetics (formerly Invitae), Labcorp
Classification: Pathogenic for PMM2-congenital disorder of glycosylation. Last evaluated: 2025-10-29. Review status: criteria provided, single submitter. Criteria: Invitae Variant Classification Sherloc (09022015). Collection method: clinical testing. Allele origin: germline.
Comment: This sequence change replaces asparagine, which is neutral and polar, with serine, which is neutral and polar, at codon 216 of the PMM2 protein (p.Asn216Ser). This variant is present in population databases (rs78290141, gnomAD 0.004%). This missense change has been observed in individual(s) with congenital disorder of glycosylation (PMID: 11058896, 28122681). ClinVar contains an entry for this variant (Variation ID: 198713). Invitae Evidence Modeling of protein sequence and biophysical properties (such as structural, functional, and spatial information, amino acid conservation, physicochemical variation, residue mobility, and thermodynamic stability) indicates that this missense variant is expected to disrupt PMM2 protein function with a positive predictive value of 95%. This variant disrupts the p.Asn216 amino acid residue in PMM2. Other variant(s) that disrupt this residue have been determined to be pathogenic (PMID: 9140401, 11875054, 25355454). This suggests that this residue is clinically significant, and that variants that disrupt this residue are likely to be disease-causing. For these reasons, this variant has been classified as Pathogenic.

Natera, Inc.
Classification: Likely pathogenic for Congenital disorder of glycosylation type 1a. Last evaluated: 2025-10-29. Review status: criteria provided, single submitter. Criteria: Natera Variant Classification Schema (03/2026). Collection method: clinical testing. Allele origin: germline.
Comment: The c.647A>G variant in PMM2 is a missense variant predicted to cause substitution of asparagine to serine at amino acid 216. This variant is rare in the general population with a frequency below the threshold expected for the associated phenotype(s). This variant has been observed in one or more individuals affected with the associated recessive disease, as either homozygous or compound heterozygous with a second variant (PMID: 11409861, 34652821, 28122681). A different variant at the same position has been determined to be Pathogenic or Likely Pathogenic. Computational prediction algorithms indicate this variant is likely to affect gene or protein function. Given the available evidence, this variant is classified as Likely Pathogenic.

GeneDx
Classification: Uncertain significance. Last evaluated: 2024-12-13. Review status: criteria provided, single submitter. Criteria: GeneDx Variant Classification Process June 2021. Collection method: clinical testing. Allele origin: germline. Affected: yes.
Comment: Not observed at significant frequency in large population cohorts (gnomAD); In silico analysis supports that this missense variant has a deleterious effect on protein structure/function; This variant is associated with the following publications: (PMID: 11142762, 11409861, 11058895, 11058896, 34859900, 28122681, 37002680)

Fulgent Genetics
Classification: Likely pathogenic for PMM2-congenital disorder of glycosylation. Last evaluated: 2024-04-05. Review status: criteria provided, single submitter. Criteria: ACMG Guidelines, 2015. Collection method: clinical testing. Allele origin: germline.

Department of Pathology and Laboratory Medicine, Sinai Health System
Classification: Likely pathogenic for PMM2-congenital disorder of glycosylation. Last evaluated: 2023-07-06. Review status: criteria provided, single submitter. Criteria: ACMG Guidelines, 2015. Collection method: research. Allele origin: germline.

Mayo Clinic Laboratories, Mayo Clinic
Classification: Likely pathogenic. Last evaluated: 2021-10-25. Review status: criteria provided, single submitter. Criteria: ACMG Guidelines, 2015. Collection method: clinical testing. Allele origin: germline.
Comment: PP3, PP4, PM2, PM5

Eurofins Ntd Llc (ga)
Classification: Uncertain significance. Last evaluated: 2014-06-10. Review status: criteria provided, single submitter. Criteria: EGL Classification Definitions 2015. Collection method: clinical testing. Allele origin: germline. Observed: 2 variant alleles, 2 heterozygotes.

Counsyl
Classification: Uncertain significance for PMM2-congenital disorder of glycosylation. Last evaluated: 2017-09-26. Review status: no assertion criteria provided. Collection method: clinical testing. Allele origin: unknown. Not counted in ClinVar's aggregate classification.

Literature cited by the submitters: PubMed 11058896 (cited by 4 submitters); PubMed 28122681 (cited by 3 submitters); PubMed 9140401 (cited by Labcorp Genetics (formerly Invitae), Labcorp); PubMed 11875054 (cited by Labcorp Genetics (formerly Invitae), Labcorp); PubMed 25355454 (cited by Labcorp Genetics (formerly Invitae), Labcorp); PubMed 11409861 (cited by Natera, Inc.); PubMed 34652821 (cited by Natera, Inc.); PubMed 12905014 (cited by Eurofins Ntd Llc (ga)).

NM_000303.3(PMM2):c.647A>G (p.Asn216Ser)

Gene: PMM2 (phosphomannomutase 2; plus strand). Cytogenetic location: 16p13.2.
Variant type: single nucleotide variant.
Coding change: c.647A>G on transcript NM_000303.3 (MANE Select); coding-DNA position 647, A replaced by G.
Protein change: p.Asn216Ser; replaces asparagine 216 with serine.
Molecular consequence: missense variant.
Genome position (GRCh38, 1-based): chr16:8,847,731, A>G. VCF-style: chr16-8847731-A-G. GRCh37 (hg19) VCF-style: chr16-8941588-A-G.
Other names: short protein forms N216S.
Identifiers: ClinVar variation 198713 (VCV000198713.23), dbSNP rs78290141, ClinGen allele CA247510.